The following is an entry in ClinVar:

NM_014927.5(CNKSR2):c.2840T>C (p.Val947Ala)

Gene: CNKSR2 (connector enhancer of kinase suppressor of Ras 2; plus strand). Cytogenetic location: Xp22.12.
Variant type: single nucleotide variant.
Coding change: c.2840T>C on transcript NM_014927.5 (MANE Select); coding-DNA position 2840, T replaced by C.
Protein change: p.Val947Ala; replaces valine 947 with alanine.
Molecular consequence: missense variant.
Genome position (GRCh38, 1-based): chrX:21,648,978, T>C. VCF-style: chrX-21648978-T-C. GRCh37 (hg19) VCF-style: chrX-21667096-T-C.
Other names: c.2750T>C, p.Val917Ala (NM_001168647.3); c.2693T>C, p.Val898Ala (NM_001330770.2); c.2603T>C, p.Val868Ala (NM_001330772.2); short protein forms V868A, V898A, V917A, V947A.
Identifiers: ClinVar variation 3359798 (VCV003359798.1).

ClinVar aggregate classification (germline): Uncertain significance (1 of 4 stars; one submission).

Submission:

GeneDx
Classification: Uncertain significance. Last evaluated: 2023-06-08. Review status: criteria provided, single submitter. Criteria: GeneDx Variant Classification Process June 2021. Collection method: clinical testing. Allele origin: germline. Affected: yes.
Comment: Not observed at significant frequency in large population cohorts (gnomAD); In silico analysis supports that this missense variant does not alter protein structure/function; Has not been previously published as pathogenic or benign to our knowledge